The following is an entry in ClinVar:

ClinVar aggregate classification (germline): Conflicting classifications of pathogenicity. Review status: criteria provided, conflicting classifications (1 of 4 stars). 4 submissions from 4 submitters: Uncertain significance (1); Likely benign (3). Last evaluated 2026-02-13.

Conditions:
TFRC-related combined immunodeficiency. Also called: Immunodeficiency 46. Identifiers: Orphanet 476113, MedGen C5568133, MONDO:0014760, OMIM 616740.
TFRC-related disorder. Also called: TFRC-related condition.

Allele frequency attached by ClinVar (database versions not stated): gnomAD 0.00008 and 0.00030; TOPMed 0.00009; gnomAD exomes 0.00058 and 0.00076; 1000 Genomes Project 30x 0.00062; ExAC 0.00079; 1000 Genomes Project 0.00080.
gnomAD v4.1: 894 of 1,614,118 alleles (0.055%); highest among the groups gnomAD compares: East Asian, 0.87%; 9 homozygotes.

Submissions (4):

Women's Health and Genetics/Laboratory Corporation of America, LabCorp
Classification: Likely benign. Last evaluated: 2026-02-13. Review status: criteria provided, single submitter. Criteria: LabCorp Variant Classification Summary - May 2015. Collection method: clinical testing. Allele origin: germline.
Comment: Variant summary: TFRC c.310A>G (p.Thr104Ala) results in a non-conservative amino acid change in the encoded protein sequence. Algorithms developed to predict the effect of missense changes on protein structure and function are either unavailable or do not agree on the potential impact of this missense change. The variant allele was found at a frequency of 0.00076 in 251446 control chromosomes, predominantly at a frequency of 0.0052 within the South Asian subpopulation in the gnomAD database. The observed variant frequency within South Asian control individuals in the gnomAD database exceeds the estimated maximal expected allele frequency for disease-causing variants in TFRC. To our knowledge, no occurrence of c.310A>G in individuals affected with TFRC-related conditions and no experimental evidence demonstrating its impact on protein function have been reported. ClinVar contains an entry for this variant (Variation ID: 1584510). Based on the evidence outlined above, the variant was classified as likely benign.

Labcorp Genetics (formerly Invitae), Labcorp
Classification: Likely benign. Last evaluated: 2025-12-22. Review status: criteria provided, single submitter. Criteria: Invitae Variant Classification Sherloc (09022015). Collection method: clinical testing. Allele origin: germline.

PreventionGenetics, part of Exact Sciences
Classification: Likely benign for TFRC-related condition. Last evaluated: 2024-12-05. Review status: criteria provided, single submitter. Criteria: ACMG Guidelines, 2015. Collection method: clinical testing. Allele origin: germline.
Comment: This variant is classified as likely benign based on ACMG/AMP sequence variant interpretation guidelines (Richards et al. 2015 PMID: 25741868, with internal and published modifications).

Center for Genomics, Ann and Robert H. Lurie Children's Hospital of Chicago
Classification: Uncertain significance for TFRC-related combined immunodeficiency. Last evaluated: 2021-07-26. Review status: criteria provided, single submitter. Criteria: ACMG Guidelines, 2015. Collection method: clinical testing. Allele origin: germline.
Comment: TFRC NM_003234.3 exon 4 p.Thr104Ala (c.310A>G): This variant has not been reported in the literature but is present in 0.005% (4/68026) of European alleles in the Genome Aggregation Database. This variant amino acid Alanine (Ala) is present in 3 species (Gorilla, tree shrew, elephant shrew) and is not well conserved among evolutionarily distant species; this suggests that this variant may not impact the protein. Additional computational prediction tools do not suggest an impact. In summary, data on this variant is insufficient for disease classification. Therefore, the clinical significance of this variant is uncertain.

NM_001128148.3(TFRC):c.310A>G (p.Thr104Ala)

Gene: TFRC (transferrin receptor; minus strand). Cytogenetic location: 3q29.
Variant type: single nucleotide variant.
Coding change: c.310A>G on transcript NM_001128148.3 (MANE Select); coding-DNA position 310, A replaced by G.
Protein change: p.Thr104Ala; replaces threonine 104 with alanine.
Molecular consequence: missense variant. On other transcripts: intron variant (1).
Genome position (GRCh38, 1-based): chr3:196,074,054, T>C on the plus strand (A>G on the coding strand, the complement: TFRC is on the minus strand). VCF-style: chr3-196074054-T-C. GRCh37 (hg19) VCF-style: chr3-195800925-T-C.
Other names: c.67A>G, p.Thr23Ala (NM_001313965.2); c.310A>G, p.Thr104Ala (NM_003234.4); c.-412-1902A>G (NM_001313966.2); c.310A>G (NM_003234.3); short protein forms T104A, T23A.
Identifiers: ClinVar variation 1584510 (VCV001584510.10), dbSNP rs201408488, ClinGen allele CA2778334.
Genomic context (GRCh38, chr3:196,074,054, plus strand): 5'-AATATAAGCGACGTGCTGCAGGGAAGTCCTCTCCTGGCTCCTCCCTCACTGGAGACTCGG[T>C]TCCTGCCAGTCTCTCACACTCAGTTTTTGGTTCTACCCCTTTACAATAGCCCAAGTAGCC-3'
Protein context (NP_001121620.1, residues 94-114): PKTECERLAG[Thr104Ala]ESPVREEPGE